The following is an entry in ClinVar:

NM_003060.4(SLC22A5):c.1397G>C (p.Ser466Thr)

Gene: SLC22A5 (solute carrier family 22 member 5; plus strand). Cytogenetic location: 5q31.1.
Variant type: single nucleotide variant.
Coding change: c.1397G>C on transcript NM_003060.4 (MANE Select); coding-DNA position 1397, G replaced by C.
Protein change: p.Ser466Thr; replaces serine 466 with threonine.
Molecular consequence: missense variant.
Genome position (GRCh38, 1-based): chr5:132,392,562, G>C. VCF-style: chr5-132392562-G-C. GRCh37 (hg19) VCF-style: chr5-131728254-G-C.
Other names: c.1469G>C, p.Ser490Thr (NM_001308122.2); short protein forms S466T, S490T.
Identifiers: ClinVar variation 1386920 (VCV001386920.6), dbSNP rs2126791559, ClinGen allele CA360809129.

ClinVar aggregate classification (germline): Uncertain significance (1 of 4 stars; one submission).

Conditions:
Renal carnitine transport defect (CDSP). Also called: Carnitine transporter deficiency; Carnitine Deficiency, Systemic; Systemic primary carnitine deficiency disease; CARNITINE DEFICIENCY, SYSTEMIC, DUE TO DEFECT IN RENAL REABSORPTION OF CARNITINE; CARNITINE TRANSPORTER, PLASMA-MEMBRANE, DEFICIENCY OF; CARNITINE UPTAKE DEFECT. Identifiers: Orphanet 158, MedGen C0342788, MONDO:0008919, OMIM 212140.

Submission:

Labcorp Genetics (formerly Invitae), Labcorp
Classification: Uncertain significance for Renal carnitine transport defect. Last evaluated: 2021-10-14. Review status: criteria provided, single submitter. Criteria: Invitae Variant Classification Sherloc (09022015). Collection method: clinical testing. Allele origin: germline.
Comment: This variant is not present in population databases (ExAC no frequency). This variant has not been reported in the literature in individuals affected with SLC22A5-related conditions. Advanced modeling of protein sequence and biophysical properties (such as structural, functional, and spatial information, amino acid conservation, physicochemical variation, residue mobility, and thermodynamic stability) performed at Invitae indicates that this missense variant is not expected to disrupt SLC22A5 protein function. In summary, the available evidence is currently insufficient to determine the role of this variant in disease. Therefore, it has been classified as a Variant of Uncertain Significance. This sequence change replaces serine with threonine at codon 466 of the SLC22A5 protein (p.Ser466Thr). The serine residue is moderately conserved and there is a small physicochemical difference between serine and threonine.